The following is an entry in ClinVar:

NM_001377.3(DYNC2H1):c.6002_6004delinsTA (p.Lys2001fs)

Gene: DYNC2H1 (dynein cytoplasmic 2 heavy chain 1; plus strand). Cytogenetic location: 11q22.3.
Variant type: Indel.
Coding change: c.6002_6004delinsTA on transcript NM_001377.3 (MANE Select); coding-DNA positions 6002 to 6004, AAG replaced by TA.
Protein change: p.Lys2001fs; shifts the reading frame from lysine 2001.
Molecular consequence: frameshift variant.
Genome position (GRCh38, 1-based): chr11:103,177,683-103,177,685, AAG replaced by TA. VCF-style: chr11-103177683-AAG-TA. GRCh37 (hg19) VCF-style: chr11-103048412-AAG-TA.
Other names: c.6002_6004delinsTA, p.Lys2001fs (NM_001080463.2); short protein forms K2001fs.
Identifiers: ClinVar variation 5015015 (VCV005015015.1).

ClinVar aggregate classification (germline): Pathogenic (1 of 4 stars; one submission).

Conditions:
Asphyxiating thoracic dystrophy 3. Also called: SHORT-RIB THORACIC DYSPLASIA 3 WITH OR WITHOUT POLYDACTYLY; POLYDACTYLY WITH NEONATAL CHONDRODYSTROPHY, TYPE I; SHORT-RIB THORACIC DYSPLASIA 3/6 WITH POLYDACTYLY, DIGENIC; Short rib polydactyly syndrome 2B; Saldino-Noonan Syndrome. Identifiers: Orphanet 474, Orphanet 93269, Orphanet 93270, Orphanet 93271, MedGen C0036069, MONDO:0013127, OMIM 613091.

Submission:

Myriad Genetics, Inc.
Classification: Pathogenic for Asphyxiating thoracic dystrophy 3. Last evaluated: 2025-09-24. Review status: criteria provided, single submitter. Criteria: Myriad Autosomal Dominant, Autosomal Recessive and X-Linked Classification Criteria (2023). Collection method: clinical testing. Allele origin: unknown.
Comment: NM_001377.2(DYNC2H1):c.6002_6004delAAGinsTA(K2001Ifs*2) is expected to be pathogenic in the context of DYNC2H1-related disorders. This variant is predicted to lead to an abnormal or absent protein product due to the creation of a premature termination codon in DYNC2H1, a gene where loss-of-function variants are known to be pathogenic. Please note: this variant was assessed in the context of healthy population screening.